The following is an entry in ClinVar:

NM_006766.5(KAT6A):c.908G>A (p.Gly303Asp)

Gene: KAT6A (lysine acetyltransferase 6A; minus strand). Cytogenetic location: 8p11.21.
Variant type: single nucleotide variant.
Coding change: c.908G>A on transcript NM_006766.5 (MANE Select); coding-DNA position 908, G replaced by A.
Protein change: p.Gly303Asp; replaces glycine 303 with aspartic acid.
Molecular consequence: missense variant.
Genome position (GRCh38, 1-based): chr8:41,978,777, C>T on the plus strand (G>A on the coding strand, the complement: KAT6A is on the minus strand). VCF-style: chr8-41978777-C-T. GRCh37 (hg19) VCF-style: chr8-41836295-C-T.
Other names: c.908G>A, p.Gly303Asp (NM_001305878.2); short protein forms G303D.
Identifiers: ClinVar variation 3360017 (VCV003360017.2).

ClinVar aggregate classification (germline): Uncertain significance (1 of 4 stars; one submission).

Submission:

GeneDx
Classification: Uncertain significance. Last evaluated: 2025-02-26. Review status: criteria provided, single submitter. Criteria: GeneDx Variant Classification Process June 2021. Collection method: clinical testing. Allele origin: germline.
Comment: Not observed at significant frequency in large population cohorts (gnomAD); In silico analysis supports that this missense variant has a deleterious effect on protein structure/function; Has not been previously published as pathogenic or benign to our knowledge